The following is an entry in ClinVar:

NM_201384.3(PLEC):c.10869C>G (p.Ile3623Met)

Gene: PLEC (plectin; minus strand). Cytogenetic location: 8q24.3.
Variant type: single nucleotide variant.
Coding change: c.10869C>G on transcript NM_201384.3 (MANE Select); coding-DNA position 10869, C replaced by G.
Protein change: p.Ile3623Met; replaces isoleucine 3623 with methionine.
Molecular consequence: missense variant.
Genome position (GRCh38, 1-based): chr8:143,918,952, G>C on the plus strand (C>G on the coding strand, the complement: PLEC is on the minus strand). VCF-style: chr8-143918952-G-C. GRCh37 (hg19) VCF-style: chr8-144993120-G-C.
Other names: c.10950C>G (NM_000445.3); c.10950C>G, p.Ile3650Met (NM_000445.5); c.7569C>G, p.Ile2523Met (NM_001410941.1); c.10827C>G, p.Ile3609Met (NM_201378.4); c.10803C>G, p.Ile3601Met (NM_201379.3); c.11280C>G, p.Ile3760Met (NM_201380.4); c.10773C>G, p.Ile3591Met (NM_201381.3); c.10869C>G, p.Ile3623Met (NM_201382.4); and 1 more; short protein forms I3650M, I2523M, I3591M, I3601M, I3623M, I3627M, I3609M, I3760M.
Identifiers: ClinVar variation 2143899 (VCV002143899.5), dbSNP rs371565831, ClinGen allele CA4924512.

ClinVar aggregate classification (germline): Uncertain significance. Review status: criteria provided, multiple submitters, no conflicts (2 of 4 stars). 2 submissions from 2 submitters: Uncertain significance (2). Last evaluated 2025-04-14.

Conditions:
Inborn genetic diseases. Identifiers: MedGen C0950123, MeSH D030342.
Epidermolysis bullosa simplex 5B, with muscular dystrophy (EBS5B). Also called: EPIDERMOLYSIS BULLOSA SIMPLEX AND LIMB-GIRDLE MUSCULAR DYSTROPHY; Epidermolysis bullosa simplex with muscular dystrophy. Identifiers: Orphanet 257, MedGen C2931072, MONDO:0009181, OMIM 226670.
Epidermolysis bullosa simplex, Ogna type (EBS5A). Also called: Pidermolysis bullosa simplex 5A, Ogna type; EPIDERMOLYSIS BULLOSA SIMPLEX 5A, OGNA TYPE. Identifiers: Orphanet 79401, MedGen C0432317, MONDO:0007555, OMIM 131950.
Epidermolysis bullosa simplex 5C, with pyloric atresia (EBS5C). Also called: PLEC-Related Epidermolysis Bullosa with Pyloric Atresia; Epidermolysis bullosa simplex with pyloric atresia; PLEC1-Related Epidermolysis Bullosa with Pyloric Atresia. Identifiers: Orphanet 158684, MedGen C2677349, MONDO:0012807, OMIM 612138.
Autosomal recessive limb-girdle muscular dystrophy type 2Q (LGMDR17). Also called: MUSCULAR DYSTROPHY, LIMB-GIRDLE, AUTOSOMAL RECESSIVE 17. Identifiers: Orphanet 254361, MedGen C3150989, MONDO:0013390, OMIM 613723.
Epidermolysis bullosa simplex with nail dystrophy (EBS5D). Identifiers: MedGen C4225309, MONDO:0014661, OMIM 616487.

gnomAD v4.1: 8 of 1,609,782 alleles (0.0005%); highest among the groups gnomAD compares: African/African-American, 0.0093%; no homozygotes.

Submissions (2):

Ambry Genetics
Classification: Uncertain significance for Inborn genetic diseases. Last evaluated: 2025-04-14. Review status: criteria provided, single submitter. Criteria: Ambry Variant Classification Scheme 2023. Collection method: clinical testing. Allele origin: germline.

Labcorp Genetics (formerly Invitae), Labcorp
Classification: Uncertain significance for Autosomal recessive limb-girdle muscular dystrophy type 2Q; Epidermolysis bullosa simplex, Ogna type; Epidermolysis bullosa simplex with nail dystrophy; Epidermolysis bullosa simplex 5C, with pyloric atresia; Epidermolysis bullosa simplex 5B, with muscular dystrophy. Last evaluated: 2023-05-15. Review status: criteria provided, single submitter. Criteria: Invitae Variant Classification Sherloc (09022015). Collection method: clinical testing. Allele origin: germline.
Comment: An algorithm developed to predict the effect of missense changes on protein structure and function (PolyPhen-2) suggests that this variant is likely to be disruptive. In summary, the available evidence is currently insufficient to determine the role of this variant in disease. Therefore, it has been classified as a Variant of Uncertain Significance. This variant is present in population databases (rs371565831, gnomAD 0.02%). This sequence change replaces isoleucine, which is neutral and non-polar, with methionine, which is neutral and non-polar, at codon 3650 of the PLEC protein (p.Ile3650Met). ClinVar contains an entry for this variant (Variation ID: 2143899). This variant has not been reported in the literature in individuals affected with PLEC-related conditions.